The following is an entry in ClinVar:

ClinVar aggregate classification (germline): Uncertain significance (1 of 4 stars; one submission).

Conditions:
Pheochromocytoma/paraganglioma syndrome 3. Also called: SDHC-Related Hereditary Paraganglioma-Pheochromocytoma Syndrome (Paragangliomas 3); SDHC-Related Hereditary Paraganglioma-Pheochromocytoma Syndrome; GLOMUS TUMORS, FAMILIAL, 3; Paragangliomas 3. Identifiers: Orphanet 29072, MedGen C1854336, MONDO:0011544, OMIM 605373.
Gastrointestinal stromal tumor. Also called: Gastrointestinal stromal tumor, somatic; Gastrointestinal stroma tumor. Identifiers: Orphanet 44890, MedGen C0238198, MeSH D046152, MONDO:0011719, OMIM 606764, HP:0100723.

Submission:

Labcorp Genetics (formerly Invitae), Labcorp
Classification: Uncertain significance for Pheochromocytoma/paraganglioma syndrome 3; Gastrointestinal stromal tumor. Last evaluated: 2023-07-07. Review status: criteria provided, single submitter. Criteria: Invitae Variant Classification Sherloc (09022015). Collection method: clinical testing. Allele origin: germline.
Comment: ClinVar contains an entry for this variant (Variation ID: 1939863). This variant has not been reported in the literature in individuals affected with SDHC-related conditions. This variant is not present in population databases (gnomAD no frequency). This sequence change falls in intron 2 of the SDHC gene. It does not directly change the encoded amino acid sequence of the SDHC protein. Algorithms developed to predict the effect of sequence changes on RNA splicing suggest that this variant may create or strengthen a splice site. In summary, the available evidence is currently insufficient to determine the role of this variant in disease. Therefore, it has been classified as a Variant of Uncertain Significance.

NM_003001.5(SDHC):c.77+9C>G

Gene: SDHC (succinate dehydrogenase complex subunit C; plus strand). Cytogenetic location: 1q23.3.
Variant type: single nucleotide variant.
Coding change: c.77+9C>G on transcript NM_003001.5 (MANE Select); 9 bases into the intron after coding-DNA position 77, C replaced by G.
Molecular consequence: intron variant.
Genome position (GRCh38, 1-based): chr1:161,323,679, C>G. VCF-style: chr1-161323679-C-G. GRCh37 (hg19) VCF-style: chr1-161293469-C-G.
Other names: c.-35+9C>G (NM_001407119.1); c.-153+9C>G (NM_001407120.1); c.77+9C>G (NM_001407115.1, NM_001035511.3, NM_001035512.3 and 2 more transcripts); c.21-4717C>G (NM_001407116.1, NM_001407121.1, NM_001407117.1); c.20+9254C>G (NM_001035513.3).
Identifiers: ClinVar variation 1939863 (VCV001939863.5), dbSNP rs2102295766, ClinGen allele CA2580061315.